The following is an entry in ClinVar:

ClinVar aggregate classification (germline): Benign/Likely benign. Review status: criteria provided, multiple submitters, no conflicts (2 of 4 stars). 6 submissions from 6 submitters: Benign (2); Likely benign (4). Last evaluated 2025-08-21.

Allele frequency attached by ClinVar (database versions not stated): 1000 Genomes Project 30x 0.00016; 1000 Genomes Project 0.00020; TOPMed 0.00031; gnomAD 0.00052 and 0.00053; gnomAD exomes 0.00085; ExAC 0.00163.
gnomAD v4.1: 797 of 1,550,464 alleles (0.051%); highest among the groups gnomAD compares: South Asian, 0.065%; 2 homozygotes.

Submissions (6):

Mayo Clinic Laboratories, Mayo Clinic
Classification: Likely benign. Last evaluated: 2025-08-21. Review status: criteria provided, single submitter. Criteria: ACMG Guidelines, 2015. Collection method: clinical testing. Allele origin: germline. Observed: 1 variant allele.
Comment: BP4, BP7, PM2_supporting

Labcorp Genetics (formerly Invitae), Labcorp
Classification: Benign. Last evaluated: 2025-06-04. Review status: criteria provided, single submitter. Criteria: Invitae Variant Classification Sherloc (09022015). Collection method: clinical testing. Allele origin: germline.

Blueprint Genetics
Classification: Likely benign. Last evaluated: 2024-11-22. Review status: criteria provided, single submitter. Criteria: ACMG Guidelines, 2015. Collection method: clinical testing. Allele origin: germline.

CeGaT Center for Human Genetics Tuebingen
Classification: Likely benign. Last evaluated: 2022-11-01. Review status: criteria provided, single submitter. Criteria: CeGaT Center For Human Genetics Tuebingen Variant Classification Criteria Version 2. Collection method: clinical testing. Allele origin: germline. Affected: yes. Observed: 1 variant allele.
Comment: OTOG: BP4, BP7

GeneDx
Classification: Likely benign. Last evaluated: 2020-06-05. Review status: criteria provided, single submitter. Criteria: GeneDx Variant Classification Process June 2021. Collection method: clinical testing. Allele origin: germline. Affected: yes.

Laboratory for Molecular Medicine, Mass General Brigham Personalized Medicine
Classification: Benign. Last evaluated: 2017-08-10. Review status: criteria provided, single submitter. Criteria: LMM Criteria. Collection method: clinical testing. Allele origin: germline. Observed: 1 variant allele.
Comment: p.His362His in exon 9 of OTOG: This variant is not expected to have clinical sig nificance because it does not alter an amino acid residue and is not located wit hin the splice consensus sequence. It has also been identified in 0.4% (35/8398) of Ashkenazi Jewish chromosomes by the Genome Aggregation Database (gnomAD; dbSNP rs575344158).

NM_001292063.2(OTOG):c.1050C>T (p.His350=)

Gene: OTOG (otogelin; plus strand). Cytogenetic location: 11p15.1.
Variant type: single nucleotide variant.
Coding change: c.1050C>T on transcript NM_001292063.2 (MANE Select); coding-DNA position 1050, C replaced by T.
Protein change: p.His350=; no amino-acid change (histidine 350 retained).
Molecular consequence: synonymous variant.
Genome position (GRCh38, 1-based): chr11:17,558,591, C>T. VCF-style: chr11-17558591-C-T. GRCh37 (hg19) VCF-style: chr11-17580138-C-T.
Other names: p.His362=; c.1086C>T, p.His362= (NM_001277269.2).
Identifiers: ClinVar variation 514533 (VCV000514533.36), dbSNP rs575344158, ClinGen allele CA5905440.
Genomic context (GRCh38, chr11:17,558,591, plus strand): 5'-GCTCTAGGGCGTGTACGAGCAGTGTGAGGCTCTACTGCGGCCCCCCTTTGACGCCTGCCA[C>T]GCCTACGTCAGCCCTCTGCCCTTCACAGCCAGTTGTACCAGTGATCTCTGCCAGTGAGTA-3'
Protein context (NP_001278992.1, residues 340-360): ALLRPPFDAC[His350=]AYVSPLPFTA